The following is an entry in ClinVar:

ClinVar aggregate classification (germline): Uncertain significance (1 of 4 stars; one submission).

gnomAD v4.1: 2 of 1,611,764 alleles (0.00012%); highest among the groups gnomAD compares: Non-Finnish European, 0.00017%; no homozygotes.

Submission:

Women's Health and Genetics/Laboratory Corporation of America, LabCorp
Classification: Uncertain significance. Last evaluated: 2025-06-12. Review status: criteria provided, single submitter. Criteria: LabCorp Variant Classification Summary - May 2015. Collection method: clinical testing. Allele origin: germline.
Comment: Variant summary: ADGRG1 c.768G>A (p.Glu256Glu) alters a conserved nucleotide located close to a canonical splice site and therefore could affect mRNA splicing, leading to a significantly altered protein sequence. Several computational tools predict a significant impact on normal splicing: Two predict the variant abolishes a 5' splicing donor site. One predict the variant weakens a 5' donor site. However, these predictions have yet to be confirmed by functional studies. The variant was absent in 247854 control chromosomes. The available data on variant occurrences in the general population are insufficient to allow any conclusion about variant significance. To our knowledge, no occurrence of c.768G>A in individuals affected with Polymicrogyria, Bilateral Frontoparietal and no experimental evidence demonstrating its impact on protein function have been reported. No submitters have cited clinical-significance assessments for this variant to ClinVar. Based on the evidence outlined above, the variant was classified as uncertain significance.

NM_201525.4(ADGRG1):c.768G>A (p.Glu256=)

Gene: ADGRG1 (adhesion G protein-coupled receptor G1; plus strand). Cytogenetic location: 16q21.
Variant type: single nucleotide variant.
Coding change: c.768G>A on transcript NM_201525.4 (MANE Select); coding-DNA position 768, G replaced by A.
Protein change: p.Glu256=; no amino-acid change (glutamic acid 256 retained).
Molecular consequence: synonymous variant.
Genome position (GRCh38, 1-based): chr16:57,654,133, G>A. VCF-style: chr16-57654133-G-A. GRCh37 (hg19) VCF-style: chr16-57688045-G-A.
Other names: c.768G>A, p.Glu256= (NM_001145770.3, NM_001145771.3, NM_001145772.3 and 16 more transcripts); c.783G>A, p.Glu261= (NM_001145773.3, NM_001370433.1); c.258G>A, p.Glu86= (NM_001290142.2); c.243G>A, p.Glu81= (NM_001290143.2, NM_001290144.2, NM_001370451.1 and 2 more transcripts); c.612G>A, p.Glu204= (NM_001370442.1).
Identifiers: ClinVar variation 3907175 (VCV003907175.1).